The following is an entry in ClinVar:

ClinVar aggregate classification (germline): Pathogenic. Review status: criteria provided, multiple submitters, no conflicts (2 of 4 stars). 2 submissions from 2 submitters: Pathogenic (2). Last evaluated 2026-07-28.

Conditions:
Hereditary cancer-predisposing syndrome. Also called: Hereditary Cancer Syndrome; Tumor predisposition; Hereditary neoplastic syndrome; Neoplastic Syndromes, Hereditary. Identifiers: Orphanet 140162, MedGen C0027672, MeSH D009386, MONDO:0015356.
Juvenile polyposis syndrome (JPS). Identifiers: Orphanet 2929, MedGen C0345893, MONDO:0017380, OMIM 174900.

Submissions (2):

Ambry Genetics
Classification: Pathogenic for Hereditary cancer-predisposing syndrome. Last evaluated: 2026-07-28. Review status: criteria provided, single submitter. Criteria: Ambry Variant Classification Scheme 2023. Collection method: clinical testing. Allele origin: germline.
Comment: The c.419delC pathogenic mutation, located in coding exon 4 of the BMPR1A gene, results from a deletion of one nucleotide at nucleotide position 419, causing a translational frameshift with a predicted alternate stop codon (p.P140Lfs*4). This variant is considered to be rare based on population cohorts in the Genome Aggregation Database (gnomAD). This alteration is expected to result in loss of function by premature protein truncation or nonsense-mediated mRNA decay. As such, this alteration is interpreted as a disease-causing mutation.

Labcorp Genetics (formerly Invitae), Labcorp
Classification: Pathogenic for Juvenile polyposis syndrome. Last evaluated: 2019-11-09. Review status: criteria provided, single submitter. Criteria: Invitae Variant Classification Sherloc (09022015). Collection method: clinical testing. Allele origin: germline.
Comment: This variant has not been reported in the literature in individuals with BMPR1A-related disease. ClinVar contains an entry for this variant (Variation ID: 529904). This variant is not present in population databases (ExAC no frequency). This sequence change creates a premature translational stop signal (p.Pro140Leufs*4) in the BMPR1A gene. It is expected to result in an absent or disrupted protein product. Loss-of-function variants in BMPR1A are known to be pathogenic (PMID: 11536076, 12417513). For these reasons, this variant has been classified as Pathogenic.

Literature cited by the submitters: PubMed 11536076 (cited by Labcorp Genetics (formerly Invitae), Labcorp); PubMed 12417513 (cited by Labcorp Genetics (formerly Invitae), Labcorp).

NM_004329.3(BMPR1A):c.419del (p.Pro140fs)

Gene: BMPR1A (bone morphogenetic protein receptor type 1A; plus strand). Cytogenetic location: 10q23.2.
Variant type: Deletion.
Coding change: c.419del on transcript NM_004329.3 (MANE Select); coding-DNA position 419, one base deleted (C; older notation c.419delC).
Protein change: p.Pro140fs; shifts the reading frame from proline 140.
Molecular consequence: frameshift variant.
Genome position (GRCh38, 1-based): chr10:86,899,879, C deleted; the last of 5 consecutive C bases (chr10:86,899,875-86,899,879); deleting any one gives the same sequence. VCF-style (leftmost placement, unchanged base first): chr10-86899874-GC-G. GRCh37 (hg19) VCF-style: chr10-88659631-GC-G.
Other names: c.419delC (NM_004329.2); short protein forms P140fs.
Identifiers: ClinVar variation 529904 (VCV000529904.10), dbSNP rs1554888986, ClinGen allele CA658797456.